The following is an entry in ClinVar:

NM_013276.4(SHPK):c.974A>G (p.Asn325Ser)

Gene: SHPK (sedoheptulokinase; minus strand). Cytogenetic location: 17p13.2.
Variant type: single nucleotide variant.
Coding change: c.974A>G on transcript NM_013276.4 (MANE Select); coding-DNA position 974, A replaced by G.
Protein change: p.Asn325Ser; replaces asparagine 325 with serine.
Molecular consequence: missense variant.
Genome position (GRCh38, 1-based): chr17:3,615,387, T>C on the plus strand (A>G on the coding strand, the complement: SHPK is on the minus strand). VCF-style: chr17-3615387-T-C. GRCh37 (hg19) VCF-style: chr17-3518681-T-C.
Other names: c.974A>G (NM_013276.2); short protein forms N325S.
Identifiers: ClinVar variation 2203232 (VCV002203232.6), dbSNP rs186122425, ClinGen allele CA8291160.

ClinVar aggregate classification (germline): Uncertain significance. Review status: criteria provided, multiple submitters, no conflicts (2 of 4 stars). 2 submissions from 2 submitters: Uncertain significance (2). Last evaluated 2025-02-24.

Allele frequency attached by ClinVar (database versions not stated): ExAC 0.00002; gnomAD 0.00003; gnomAD exomes 0.00004; TOPMed 0.00005.
gnomAD v4.1: 56 of 1,614,008 alleles (0.0035%); highest among the groups gnomAD compares: Admixed American, 0.0067%; no homozygotes.

Submissions (2):

Labcorp Genetics (formerly Invitae), Labcorp
Classification: Uncertain significance. Last evaluated: 2025-02-24. Review status: criteria provided, single submitter. Criteria: Invitae Variant Classification Sherloc (09022015). Collection method: clinical testing. Allele origin: germline.
Comment: This sequence change replaces asparagine, which is neutral and polar, with serine, which is neutral and polar, at codon 325 of the SHPK protein (p.Asn325Ser). This variant is present in population databases (rs186122425, gnomAD 0.01%). This variant has not been reported in the literature in individuals affected with SHPK-related conditions. ClinVar contains an entry for this variant (Variation ID: 2203232). An algorithm developed to predict the effect of missense changes on protein structure and function (PolyPhen-2) suggests that this variant is likely to be disruptive. In summary, the available evidence is currently insufficient to determine the role of this variant in disease. Therefore, it has been classified as a Variant of Uncertain Significance.

Ambry Genetics
Classification: Uncertain significance. Last evaluated: 2024-11-08. Review status: criteria provided, single submitter. Criteria: Ambry Variant Classification Scheme 2023. Collection method: clinical testing. Allele origin: germline.